The following is an entry in ClinVar:

ClinVar aggregate classification (germline): Likely benign (0 of 4 stars; one submission).

Conditions:
TNC-related disorder. Also called: TNC-related condition.

gnomAD v4.1: 40 of 1,614,250 alleles (0.0025%); highest among the groups gnomAD compares: Admixed American, 0.018%; no homozygotes.

Submission:

PreventionGenetics, part of Exact Sciences
Classification: Likely benign for TNC-related condition. Last evaluated: 2024-03-28. Review status: no assertion criteria provided. Collection method: clinical testing. Allele origin: germline.
Comment: This variant is classified as likely benign based on ACMG/AMP sequence variant interpretation guidelines (Richards et al. 2015 PMID: 25741868, with internal and published modifications).

NM_002160.4(TNC):c.243A>G (p.Ser81=)

Gene: TNC (tenascin C; minus strand). Cytogenetic location: 9q33.1.
Variant type: single nucleotide variant.
Coding change: c.243A>G on transcript NM_002160.4 (MANE Select); coding-DNA position 243, A replaced by G.
Protein change: p.Ser81=; no amino-acid change (serine 81 retained).
Molecular consequence: synonymous variant.
Genome position (GRCh38, 1-based): chr9:115,090,776, T>C on the plus strand (A>G on the coding strand, the complement: TNC is on the minus strand). VCF-style: chr9-115090776-T-C. GRCh37 (hg19) VCF-style: chr9-117853055-T-C.
Other names: c.243A>G, p.Ser81= (NM_001410991.1).
Identifiers: ClinVar variation 3352770 (VCV003352770.1).